The following is an entry in ClinVar:

ClinVar aggregate classification (germline): Pathogenic (1 of 4 stars; one submission).

Conditions:
Peutz-Jeghers syndrome (PJS). Also called: Peutz-Jeghers polyposis; Periorificial lentiginosis syndrome; POLYPOSIS, HAMARTOMATOUS INTESTINAL; POLYPS-AND-SPOTS SYNDROME. Identifiers: Orphanet 2869, MedGen C0031269, MeSH D010580, MONDO:0008280, OMIM 175200.

Submission:

Labcorp Genetics (formerly Invitae), Labcorp
Classification: Pathogenic for Peutz-Jeghers syndrome. Last evaluated: 2025-10-03. Review status: criteria provided, single submitter. Criteria: Invitae Variant Classification Sherloc (09022015). Collection method: clinical testing. Allele origin: germline.
Comment: This sequence change creates a premature translational stop signal (p.Ser271Lysfs*14) in the STK11 gene. It is expected to result in an absent or disrupted protein product. Loss-of-function variants in STK11 are known to be pathogenic (PMID: 15188174, 16287113). This variant is not present in population databases (gnomAD no frequency). This variant has not been reported in the literature in individuals affected with STK11-related conditions. For these reasons, this variant has been classified as Pathogenic.

Literature cited by the submitters: PubMed 15188174; PubMed 16287113.

NM_000455.5(STK11):c.811dup (p.Ser271fs)

Gene: STK11 (serine/threonine kinase 11; plus strand). Cytogenetic location: 19p13.3.
Variant type: Duplication.
Coding change: c.811dup on transcript NM_000455.5 (MANE Select); coding-DNA position 811, one base duplicated (A; older notation c.811dupA).
Protein change: p.Ser271fs; shifts the reading frame from serine 271.
Molecular consequence: frameshift variant. On other transcripts: non-coding transcript variant (1).
Genome position (GRCh38, 1-based): chr19:1,221,289, A duplicated. VCF-style (leftmost placement, unchanged base first): chr19-1221288-G-GA. GRCh37 (hg19) VCF-style: chr19-1221287-G-GA.
Other names: c.811dup, p.Ser271fs (NM_001407255.1); short protein forms S271fs.
Identifiers: ClinVar variation 4728412 (VCV004728412.1).